The following is an entry in ClinVar:

NM_000092.5(COL4A4):c.1979G>A (p.Gly660Asp)

Gene: COL4A4 (collagen type IV alpha 4 chain; minus strand). Cytogenetic location: 2q36.3.
Variant type: single nucleotide variant.
Coding change: c.1979G>A on transcript NM_000092.5 (MANE Select); coding-DNA position 1979, G replaced by A.
Protein change: p.Gly660Asp; replaces glycine 660 with aspartic acid.
Molecular consequence: missense variant.
Genome position (GRCh38, 1-based): chr2:227,077,902, C>T on the plus strand (G>A on the coding strand, the complement: COL4A4 is on the minus strand). VCF-style: chr2-227077902-C-T. GRCh37 (hg19) VCF-style: chr2-227942618-C-T.
Other names: short protein forms G660D.
Identifiers: ClinVar variation 3376705 (VCV003376705.1).

ClinVar aggregate classification (germline): Likely pathogenic (1 of 4 stars; one submission).

Conditions:
Alport syndrome. Also called: Hemorrhagic familial nephritis; Hemorrhagic hereditary nephritis; Congenital hereditary hematuria. Identifiers: Orphanet 63, MedGen C1567741, MONDO:0018965.

Submission:

Victorian Clinical Genetics Services, Murdoch Childrens Research Institute
Classification: Likely pathogenic for Alport syndrome. Last evaluated: 2023-12-21. Review status: criteria provided, single submitter. Criteria: ACMG Guidelines, 2015. Collection method: clinical testing. Allele origin: germline. Affected: yes.
Comment: Based on the classification scheme VCGS_Germline_v1.3.4, this variant is classified as Likely Pathogenic. Following criteria are met: 0103 - Loss of function is a known mechanism of disease for this gene and is associated with Alport syndrome (MONDO:0018965). Dominant negative is a suspected mechanism of disease for this gene as it is a structural protein (PMIDs: 12028435, 24046192). (I) 0108 - This gene is associated with both recessive and dominant disease. Alport syndrome typically has biallelic inheritance, although rare cases of monoallelic inheritance have been reported (PMID: 28704582). Thin basement membrane nephropathy (TBMN) and focal segmental glomerulosclerosis (FSGS) are associated with autosomal dominant inheritance (OMIM, PMIDs: 16467446, 17942953). (I) 0200 - Variant is predicted to result in a missense amino acid change from glycine to aspartic acid. (I) 0251 - This variant is heterozygous. (I) 0301 - Variant is absent from gnomAD (both v2 and v3). (SP) 0501 - Missense variant consistently predicted to be damaging by multiple in silico tools or highly conserved with a major amino acid change. (SP) 0601 - Variant is located in the well-established functional glycine change within a G-X-Y repeat (DECIPHER). (SP) 0705 - No comparable missense variants have previous evidence for pathogenicity. (I) 0802 - This variant has moderate previous evidence of pathogenicity in unrelated individuals. This variant has been reported twice as likely pathogenic (LOVD) and observed in an individual with Alport syndrome (Westmead). Additionally, this variant was observed in a cohort who did not have haematuria (PMID: 34400539). (SP) 0905 - No published segregation evidence has been identified for this variant. (I) 1007 - No published functional evidence has been identified for this variant. (I) 1208 - Inheritance information for this variant is not currently available in this individual. (I) Legend: (SP) - Supporting pathogenic, (I) - Information, (SB) - Supporting benign

Literature cited by the submitters: PubMed 12028435; PubMed 16467446; PubMed 17942953; PubMed 24046192; PubMed 28704582; PubMed 34400539.